The following is an entry in ClinVar:

ClinVar aggregate classification (germline): Likely benign (1 of 4 stars; one submission).

Allele frequency attached by ClinVar (database versions not stated): 1000 Genomes Project 30x 0.00094; 1000 Genomes Project 0.00100; ESP Exome Variant Server 0.00177; gnomAD 0.00185; gnomAD exomes 0.00266; ExAC 0.00267.
gnomAD v4.1: 4,159 of 1,610,112 alleles (0.26%); highest among the groups gnomAD compares: South Asian, 0.78%; 21 homozygotes.

Submission:

CeGaT Center for Human Genetics Tuebingen
Classification: Likely benign. Last evaluated: 2022-06-01. Review status: criteria provided, single submitter. Criteria: CeGaT Center For Human Genetics Tuebingen Variant Classification Criteria Version 2. Collection method: clinical testing. Allele origin: germline. Affected: yes. Observed: 1 variant allele.
Comment: MMRN1: BP4, BP7

NM_007351.3(MMRN1):c.2757G>A (p.Ser919=)

Gene: MMRN1 (multimerin 1; plus strand). Cytogenetic location: 4q22.1.
Variant type: single nucleotide variant.
Coding change: c.2757G>A on transcript NM_007351.3 (MANE Select); coding-DNA position 2757, G replaced by A.
Protein change: p.Ser919=; no amino-acid change (serine 919 retained).
Molecular consequence: synonymous variant.
Genome position (GRCh38, 1-based): chr4:89,936,437, G>A. VCF-style: chr4-89936437-G-A. GRCh37 (hg19) VCF-style: chr4-90857588-G-A.
Other names: c.2757G>A, p.Ser919= (NM_001371403.1); c.1983G>A, p.Ser661= (NM_001410735.1).
Identifiers: ClinVar variation 2654948 (VCV002654948.24), dbSNP rs41279303, ClinGen allele CA3010875.